The following is an entry in ClinVar:

ClinVar aggregate classification (germline): Likely pathogenic (1 of 4 stars; one submission).

Conditions:
Hereditary breast ovarian cancer syndrome. Also called: Hereditary breast and ovarian cancer syndrome; BRCA1- and BRCA2-Associated Hereditary Breast and Ovarian Cancer; Hereditary breast and ovarian cancer syndrome (HBOC); Hereditary breast and/or ovarian cancer syndrome; Breast and ovarian cancer; Hereditary breast and ovarian cancer. Identifiers: Orphanet 145, MedGen C0677776, MeSH D061325, MONDO:0003582. Disease mechanism: loss of function.

Submission:

Women's Health and Genetics/Laboratory Corporation of America, LabCorp
Classification: Likely pathogenic for Hereditary breast ovarian cancer syndrome. Last evaluated: 2022-04-15. Review status: criteria provided, single submitter. Criteria: LabCorp Variant Classification Summary - May 2015. Collection method: clinical testing. Allele origin: germline.
Comment: Variant summary: The variant identified by MLPA or other technology involves the deletion of exons 1-25 (i.e. the full coding sequence) of the RAD50 gene. A presumed nomenclature of c.(?_-402)_(*2258_?)del has been designated for the purposes of this classification. Since exact breakpoints of this deletion are not known, it might extend beyond the assayed region of the RAD50 gene, including other flanking genes. The variant was absent in 21678 control chromosomes in the gnomAD database, structural variants dataset. To our knowledge, no occurrence of c.(?_-402)_(*2258_?)del in individuals affected with Hereditary Breast and Ovarian Cancer Syndrome and no experimental evidence demonstrating its impact on protein function have been reported. One clinical diagnostic laboratory has submitted clinical-significance assessments for this variant to ClinVar after 2014, and classified the variant as pathogenic. Based on the evidence outlined above, the variant was classified as likely pathogenic.

NC_000005.9:g.(?_131892615)_(131980314_?)del

Gene: RAD50 (RAD50 double strand break repair protein; plus strand). Cytogenetic location: 5q31.1.
Variant type: Deletion.
Identifiers: ClinVar variation 1683314 (VCV001683314.1).